The following is an entry in ClinVar:

NM_005359.6(SMAD4):c.1175A>T (p.Lys392Ile)

Gene: SMAD4 (SMAD family member 4; plus strand). Cytogenetic location: 18q21.2.
Variant type: single nucleotide variant.
Coding change: c.1175A>T on transcript NM_005359.6 (MANE Select); coding-DNA position 1175, A replaced by T.
Protein change: p.Lys392Ile; replaces lysine 392 with isoleucine.
Molecular consequence: missense variant. On other transcripts: non-coding transcript variant (1).
Genome position (GRCh38, 1-based): chr18:51,067,054, A>T. VCF-style: chr18-51067054-A-T. GRCh37 (hg19) VCF-style: chr18-48593424-A-T.
Other names: c.1175A>T, p.Lys392Ile (NM_001407041.1, NM_001407042.1); short protein forms K392I.
Identifiers: ClinVar variation 4864692 (VCV004864692.1).

ClinVar aggregate classification (germline): Uncertain significance (1 of 4 stars; one submission).

Conditions:
Familial thoracic aortic aneurysm and aortic dissection (TAAD). Also called: Thoracic aortic aneurysms and dissections. Identifiers: Orphanet 91387, MedGen C4707243, MONDO:0019625.
Hereditary cancer-predisposing syndrome. Also called: Neoplastic Syndromes, Hereditary; Tumor predisposition; Hereditary Cancer Syndrome; Hereditary neoplastic syndrome. Identifiers: Orphanet 140162, MedGen C0027672, MeSH D009386, MONDO:0015356.

Submission:

Ambry Genetics
Classification: Uncertain significance for Hereditary cancer-predisposing syndrome; Familial thoracic aortic aneurysm and aortic dissection. Last evaluated: 2026-03-18. Review status: criteria provided, single submitter. Criteria: Ambry Variant Classification Scheme 2023. Collection method: clinical testing. Allele origin: germline.
Comment: The p.K392I variant (also known as c.1175A>T), located in coding exon 9 of the SMAD4 gene, results from an A to T substitution at nucleotide position 1175. The lysine at codon 392 is replaced by isoleucine, an amino acid with dissimilar properties. This amino acid position is conserved. In addition, this alteration is predicted to be deleterious by in silico analysis. Based on the available evidence, the clinical significance of this variant remains unclear.